The following is an entry in ClinVar:

ClinVar aggregate classification (germline): Likely pathogenic (1 of 4 stars; one submission).

Submission:

CeGaT Center for Human Genetics Tuebingen
Classification: Likely pathogenic. Last evaluated: 2026-05-01. Review status: criteria provided, single submitter. Criteria: CeGaT Center For Human Genetics Tuebingen Variant Classification Criteria Version 2. Collection method: clinical testing. Allele origin: germline. Affected: yes. Observed: 1 variant allele.
Comment: GRIN2A: PVS1:Strong, PM2, PS2:Supporting

NM_001134407.3(GRIN2A):c.4146C>A (p.Cys1382Ter)

Gene: GRIN2A (glutamate ionotropic receptor NMDA type subunit 2A; minus strand). Cytogenetic location: 16p13.2.
Variant type: single nucleotide variant.
Coding change: c.4146C>A on transcript NM_001134407.3 (MANE Select); coding-DNA position 4146, C replaced by A.
Protein change: p.Cys1382Ter; replaces cysteine 1382 with a stop codon.
Molecular consequence: nonsense. On other transcripts: missense variant (1).
Genome position (GRCh38, 1-based): chr16:9,763,398, G>T on the plus strand (C>A on the coding strand, the complement: GRIN2A is on the minus strand). VCF-style: chr16-9763398-G-T. GRCh37 (hg19) VCF-style: chr16-9857255-G-T.
Other names: c.4146C>A, p.Cys1382Ter (NM_000833.5); c.3803C>A, p.Ala1268Asp (NM_001134408.2); short protein forms A1268D, C1382*.
Identifiers: ClinVar variation 4874984 (VCV004874984.2).